The following is an entry in ClinVar:

NM_153460.4(IL17RC):c.2092C>A (p.Pro698Thr)

Genes: IL17RC (interleukin 17 receptor C; plus strand), LOC129936144 (ATAC-STARR-seq lymphoblastoid silent region 14051; plus strand). Cytogenetic location: 3p25.3.
Variant type: single nucleotide variant.
Coding change: c.2092C>A on transcript NM_153460.4 (MANE Select); coding-DNA position 2092, C replaced by A.
Protein change: p.Pro698Thr; replaces proline 698 with threonine.
Molecular consequence: missense variant. On other transcripts: non-coding transcript variant (1).
Genome position (GRCh38, 1-based): chr3:9,933,522, C>A. VCF-style: chr3-9933522-C-A. GRCh37 (hg19) VCF-style: chr3-9975206-C-A.
Other names: c.2053C>A, p.Pro685Thr (NM_001203263.2); c.2002C>A, p.Pro668Thr (NM_001203264.2); c.1996C>A, p.Pro666Thr (NM_001203265.2); c.2014C>A, p.Pro672Thr (NM_001367278.1); c.1933C>A, p.Pro645Thr (NM_001367279.1); c.2008C>A, p.Pro670Thr (NM_001367280.1); c.1957C>A, p.Pro653Thr (NM_001410711.1); c.2047C>A, p.Pro683Thr (NM_032732.6); and 1 more; short protein forms P769T, P668T, P670T, P698T, P666T, P672T, P683T, P645T.
Identifiers: ClinVar variation 2048611 (VCV002048611.4), dbSNP rs754708507, ClinGen allele CA2247488.

ClinVar aggregate classification (germline): Uncertain significance (1 of 4 stars; one submission).

Conditions:
Candidiasis, familial, 9 (CANDF9). Identifiers: Orphanet 1334, MedGen C4225324, MONDO:0014642, OMIM 616445.

Allele frequency attached by ClinVar (database versions not stated): gnomAD exomes below 0.00001; ExAC 0.00001; gnomAD 0.00001.
gnomAD v4.1: 5 of 1,608,354 alleles (0.00031%); highest among the groups gnomAD compares: Admixed American, 0.0017%; no homozygotes.

Submission:

Labcorp Genetics (formerly Invitae), Labcorp
Classification: Uncertain significance for Candidiasis, familial, 9. Last evaluated: 2022-05-12. Review status: criteria provided, single submitter. Criteria: Invitae Variant Classification Sherloc (09022015). Collection method: clinical testing. Allele origin: germline.
Comment: In summary, the available evidence is currently insufficient to determine the role of this variant in disease. Therefore, it has been classified as a Variant of Uncertain Significance. Algorithms developed to predict the effect of missense changes on protein structure and function are either unavailable or do not agree on the potential impact of this missense change (SIFT: "Tolerated"; PolyPhen-2: "Not Available"; Align-GVGD: "Class C0"). This variant has not been reported in the literature in individuals affected with IL17RC-related conditions. This variant is present in population databases (rs754708507, gnomAD 0.003%). This sequence change replaces proline, which is neutral and non-polar, with threonine, which is neutral and polar, at codon 769 of the IL17RC protein (p.Pro769Thr).